The following is an entry in ClinVar:

ClinVar aggregate classification (germline): Uncertain significance (1 of 4 stars; one submission).

Conditions:
Hereditary cancer-predisposing syndrome. Also called: Hereditary Cancer Syndrome; Neoplastic Syndromes, Hereditary; Tumor predisposition; Hereditary neoplastic syndrome. Identifiers: Orphanet 140162, MedGen C0027672, MeSH D009386, MONDO:0015356.

Submission:

Ambry Genetics
Classification: Uncertain significance for Hereditary cancer-predisposing syndrome. Last evaluated: 2022-03-01. Review status: criteria provided, single submitter. Criteria: Ambry Variant Classification Scheme 2023. Collection method: clinical testing. Allele origin: germline.
Comment: The p.D1802A variant (also known as c.5405A>C), located in coding exon 41 of the TSC2 gene, results from an A to C substitution at nucleotide position 5405. The aspartic acid at codon 1802 is replaced by alanine, an amino acid with dissimilar properties. This amino acid position is conserved. In addition, this alteration is predicted to be deleterious by in silico analysis. Since supporting evidence is limited at this time, the clinical significance of this alteration remains unclear.

NM_000548.5(TSC2):c.5405A>C (p.Asp1802Ala)

Gene: TSC2 (TSC complex subunit 2; plus strand). Cytogenetic location: 16p13.3.
Variant type: single nucleotide variant.
Coding change: c.5405A>C on transcript NM_000548.5 (MANE Select); coding-DNA position 5405, A replaced by C.
Protein change: p.Asp1802Ala; replaces aspartic acid 1802 with alanine.
Molecular consequence: missense variant.
Genome position (GRCh38, 1-based): chr16:2,088,591, A>C. VCF-style: chr16-2088591-A-C. GRCh37 (hg19) VCF-style: chr16-2138592-A-C.
Other names: c.5204A>C, p.Asp1735Ala (NM_001077183.3); c.5336A>C, p.Asp1779Ala (NM_001114382.3); c.5096A>C, p.Asp1699Ala (NM_001318827.2); c.5060A>C, p.Asp1687Ala (NM_001318829.2); c.4673A>C, p.Asp1558Ala (NM_001318831.2); c.5237A>C, p.Asp1746Ala (NM_001318832.2); c.5207A>C, p.Asp1736Ala (NM_001363528.2); c.5273A>C, p.Asp1758Ala (NM_001370404.1); and 27 more; short protein forms D1201A, D1287A, D1535A, D1602A, D1698A, D1729A, D1731A, D1778A.
Identifiers: ClinVar variation 1747326 (VCV001747326.2), dbSNP rs2091218851, ClinGen allele CA394316190.
Genomic context (GRCh38, chr16:2,088,591, plus strand): 5'-CCGAGCCCACACCTGGCTATGAGGTGGGCCAGCGGAAGCGCCTCATCTCCTCGGTGGAGG[A>C]CTTCACCGAGTTTGTGTGAGGCCGGGGCCCTCCCTCCTGCACTGGCCTTGGACGGTATTG-3'
Protein context (NP_000539.2, residues 1792-1807): QRKRLISSVE[Asp1802Ala]FTEFV